The following is an entry in ClinVar:

ClinVar aggregate classification (germline): Pathogenic (0 of 4 stars; one submission).

Conditions:
Cohen syndrome (COH1). Also called: PEPPER SYNDROME; Cutis verticis gyrata, retinitis pigmentosa, and sensorineural deafness. Identifiers: Orphanet 193, MedGen C0265223, MONDO:0008999, OMIM 216550.

Submission:

Genomics Facility, Ludwig-Maximilians-Universität München
Classification: Pathogenic for Cohen syndrome. Last evaluated: 2020-04-20. Review status: no assertion criteria provided. Collection method: research. Allele origin: inherited. Inheritance: Autosomal recessive inheritance. Affected: yes. Observed: 1 homozygote.

NM_152564.5(VPS13B):c.7020del (p.Ser2341fs)

Gene: VPS13B (vacuolar protein sorting 13 homolog B; plus strand). Cytogenetic location: 8q22.2.
Variant type: Deletion.
Coding change: c.7020del on transcript NM_152564.5 (MANE Select); coding-DNA position 7020, one base deleted (T; older notation c.7020delT).
Protein change: p.Ser2341fs; shifts the reading frame from serine 2341.
Molecular consequence: frameshift variant.
Genome position (GRCh38, 1-based): chr8:99,721,017, T deleted; the last of 2 consecutive T bases (chr8:99,721,016-99,721,017); deleting either gives the same sequence. VCF-style (leftmost placement, unchanged base first): chr8-99721015-AT-A. GRCh37 (hg19) VCF-style: chr8-100733243-AT-A.
Other names: c.7095del, p.Ser2366fs (NM_017890.5); short protein forms S2366fs, S2341fs.
Identifiers: ClinVar variation 916582 (VCV000916582.3), dbSNP rs1833108141, ClinGen allele CA1139660674.